The following is an entry in ClinVar:

ClinVar aggregate classification (germline): Uncertain significance (1 of 4 stars; one submission).

Conditions:
Autosomal recessive limb-girdle muscular dystrophy type R18 (LGMDR18). Also called: MUSCULAR DYSTROPHY, LIMB-GIRDLE, AUTOSOMAL RECESSIVE 18; Autosomal recessive limb-girdle muscular dystrophy type 2S; Limb-girdle muscular dystrophy, type 2S. Identifiers: Orphanet 369840, MedGen C4517996, MONDO:0014144, OMIM 615356.

Submission:

Labcorp Genetics (formerly Invitae), Labcorp
Classification: Uncertain significance for Autosomal recessive limb-girdle muscular dystrophy type R18. Last evaluated: 2022-07-11. Review status: criteria provided, single submitter. Criteria: Invitae Variant Classification Sherloc (09022015). Collection method: clinical testing. Allele origin: germline.
Comment: This sequence change replaces proline, which is neutral and non-polar, with leucine, which is neutral and non-polar, at codon 795 of the TRAPPC11 protein (p.Pro795Leu). In summary, the available evidence is currently insufficient to determine the role of this variant in disease. Therefore, it has been classified as a Variant of Uncertain Significance. Algorithms developed to predict the effect of missense changes on protein structure and function (SIFT, PolyPhen-2, Align-GVGD) all suggest that this variant is likely to be tolerated. ClinVar contains an entry for this variant (Variation ID: 1507565). This variant has not been reported in the literature in individuals affected with TRAPPC11-related conditions. This variant is not present in population databases (gnomAD no frequency).

NM_021942.6(TRAPPC11):c.2384C>T (p.Pro795Leu)

Genes: TRAPPC11 (trafficking protein particle complex subunit 11; plus strand), LOC126807238 (BRD4-independent group 4 enhancer GRCh37_chr4:184614366-184615565; plus strand). Cytogenetic location: 4q35.1.
Variant type: single nucleotide variant.
Coding change: c.2384C>T on transcript NM_021942.6 (MANE Select); coding-DNA position 2384, C replaced by T.
Protein change: p.Pro795Leu; replaces proline 795 with leucine.
Molecular consequence: missense variant.
Genome position (GRCh38, 1-based): chr4:183,693,735, C>T. VCF-style: chr4-183693735-C-T. GRCh37 (hg19) VCF-style: chr4-184614888-C-T.
Other names: c.2384C>T, p.Pro795Leu (NM_199053.3); short protein forms P795L.
Identifiers: ClinVar variation 1507565 (VCV001507565.8), dbSNP rs2111067527, ClinGen allele CA358871696.